The following is an entry in ClinVar:

NC_000008.10:g.(?_87616301)_(87666310_?)dup

Gene: CNGB3 (cyclic nucleotide gated channel subunit beta 3; minus strand). Cytogenetic location: 8q21.3.
Variant type: Duplication.
Identifiers: ClinVar variation 3245592 (VCV003245592.1).

ClinVar aggregate classification (germline): Likely pathogenic (1 of 4 stars; one submission).

Submission:

Labcorp Genetics (formerly Invitae), Labcorp
Classification: Likely pathogenic. Last evaluated: 2023-05-16. Review status: criteria provided, single submitter. Criteria: Invitae Variant Classification Sherloc (09022015). Collection method: clinical testing. Allele origin: unknown.
Comment: In summary, the currently available evidence indicates that the variant is pathogenic, but additional data are needed to prove that conclusively. Therefore, this variant has been classified as Likely Pathogenic. This variant has not been reported in the literature in individuals affected with CNGB3-related conditions. This variant results in a copy number gain of the genomic region encompassing exon(s) 7-15 of the CNGB3 gene. While the exact position of this variant cannot be determined from the data, sub-genic copy number gains are generally in tandem (PMID: 25640679). This variant is predicted to be out-of-frame, and may result in an absent or disrupted protein product. Loss-of-function variants in CNGB3 are known to be pathogenic (PMID: 28795510).

Literature cited by the submitters: PubMed 25640679; PubMed 28795510.